The following is an entry in ClinVar:

NM_025103.4(IFT74):c.510G>A (p.Met170Ile)

Gene: IFT74 (intraflagellar transport 74; plus strand). Cytogenetic location: 9p21.2.
Variant type: single nucleotide variant.
Coding change: c.510G>A on transcript NM_025103.4 (MANE Select); coding-DNA position 510, G replaced by A.
Protein change: p.Met170Ile; replaces methionine 170 with isoleucine.
Molecular consequence: missense variant.
Genome position (GRCh38, 1-based): chr9:26,988,713, G>A. VCF-style: chr9-26988713-G-A. GRCh37 (hg19) VCF-style: chr9-26988711-G-A.
Other names: c.510G>A (NM_025103.2); c.510G>A, p.Met170Ile (NM_001099222.3, NM_001099223.3, NM_001099224.3 and 1 more transcripts); short protein forms M170I.
Identifiers: ClinVar variation 3108458 (VCV003108458.2), dbSNP rs1024893302, ClinGen allele CA191317167.
Genomic context (GRCh38, chr9:26,988,713, plus strand): 5'-GTATTTTTGTTTTTAGTTGGTAGATAAACTTAATACCAACACTGAAATGGAAGAAGTAAT[G>A]AATGATTACAATATGGTAAGAAAATTTATAAAAGCAAATTGATCTATGTAAGTCATATCC-3'
Protein context (NP_079379.2, residues 160-180): LNTNTEMEEV[Met170Ile]NDYNMLKAQN

ClinVar aggregate classification (germline): Uncertain significance. Review status: criteria provided, multiple submitters, no conflicts (2 of 4 stars). 2 submissions from 2 submitters: Uncertain significance (2). Last evaluated 2025-02-04.

Conditions:
IFT74-related disorder. Also called: IFT74-related condition; IFT74-Related Disorders.
Inborn genetic diseases. Identifiers: MedGen C0950123, MeSH D030342.

Submissions (2):

PreventionGenetics, part of Exact Sciences
Classification: Uncertain significance for IFT74-related condition. Last evaluated: 2025-02-04. Review status: criteria provided, single submitter. Criteria: ACMG Guidelines, 2015. Collection method: clinical testing. Allele origin: germline.
Comment: The IFT74 c.510G>A variant is predicted to result in the amino acid substitution p.Met170Ile. To our knowledge, this variant has not been reported in the literature or in a large population database (gnomAD), indicating this variant is rare. At this time, the clinical significance of this variant is uncertain due to the absence of conclusive functional and genetic evidence.

Ambry Genetics
Classification: Uncertain significance for Inborn genetic diseases. Last evaluated: 2023-12-08. Review status: criteria provided, single submitter. Criteria: Ambry Variant Classification Scheme 2023. Collection method: clinical testing. Allele origin: germline.